The following is an entry in ClinVar:

NM_001385875.1(ZFYVE27):c.1042G>A (p.Gly348Arg)

Gene: ZFYVE27 (zinc finger FYVE-type containing 27; plus strand). Cytogenetic location: 10q24.2.
Variant type: single nucleotide variant.
Coding change: c.1042G>A on transcript NM_001385875.1 (MANE Select); coding-DNA position 1042, G replaced by A.
Protein change: p.Gly348Arg; replaces glycine 348 with arginine.
Molecular consequence: missense variant. On other transcripts: non-coding transcript variant (17).
Genome position (GRCh38, 1-based): chr10:97,753,182, G>A. VCF-style: chr10-97753182-G-A. GRCh37 (hg19) VCF-style: chr10-99512939-G-A.
Other names: c.1057G>A, p.Gly353Arg (NM_001002261.4, NM_001385871.1); c.1021G>A, p.Gly341Arg (NM_001002262.4, NM_001385880.1, NM_001385881.1 and 2 more transcripts); c.925G>A, p.Gly309Arg (NM_001174119.2, NM_001385889.1); c.763G>A, p.Gly255Arg (NM_001174120.2); c.742G>A, p.Gly248Arg (NM_001174121.2, NM_001385915.1); c.667G>A, p.Gly223Arg (NM_001174122.2); c.1075G>A, p.Gly359Arg (NM_001385876.1); c.1039G>A, p.Gly347Arg (NM_001385877.1); and 14 more; short protein forms G348R, G353R, G223R, G248R, G255R, G309R, G341R, G267R.
Identifiers: ClinVar variation 216486 (VCV000216486.6), dbSNP rs779342544, ClinGen allele CA339291.
Genomic context (GRCh38, chr10:97,753,182, plus strand): 5'-CGCAGCAAGGTGTCTCGGCTCACGGAGCGGCTCCGCAAGCGCTACCCCACCAACAACTTC[G>A]GTGCGGCCAGGGGACAGGGCTGGGCTGGTGGGGGAGTGGGGGTGGACTTCTGGGACTCTA-3'
Protein context (NP_001372804.1, residues 338-358): LRKRYPTNNF[Gly348Arg]NCTGCSATFS

ClinVar aggregate classification (germline): Uncertain significance (1 of 4 stars; one submission).

Conditions:
Spastic paraplegia. Identifiers: MedGen C0037772, HP:0001258.

Allele frequency attached by ClinVar (database versions not stated): ExAC 0.00001; gnomAD 0.00001; gnomAD exomes 0.00001; TOPMed 0.00002.

Submission:

Labcorp Genetics (formerly Invitae), Labcorp
Classification: Uncertain significance for Spastic paraplegia. Last evaluated: 2015-06-15. Review status: criteria provided, single submitter. Criteria: Invitae Variant Classification Sherloc (09022015). Collection method: clinical testing. Allele origin: germline.
Comment: In summary, this is a rare missense change with uncertain impact on protein function. It has been classified as a Variant of Uncertain Significance. Algorithms developed to predict the effect of missense changes on protein structure and function do not agree on the potential impact of this missense change (SIFT: "Deleterious"; PolyPhen-2: "Probably Damaging"; Align-GVGD: "Class C15"). In addition, nucleotide substitutions at the last nucleotide of the exon are a relatively common cause of aberrant splicing (PMID: 17576681), but multiple splice site algorithms disagree on the impact of this particular variant on splicing. This variant has not been published in the literature and is present in population databases (no RSID, 0.014%). This sequence change replaces glycine with arginine at codon 353 of the ZFYVE27 protein (p.Gly353Arg). The glycine residue is highly conserved and there is a moderate physicochemical difference between glycine and arginine. It also falls at the last nucleotide of exon 9 of the ZFYVE27 mRNA.

Literature cited by the submitters: PubMed 17576681.